The following is an entry in ClinVar:

ClinVar aggregate classification (germline): Uncertain significance (1 of 4 stars; one submission).

Allele frequency attached by ClinVar (database versions not stated): ESP Exome Variant Server 0.00008; TOPMed below 0.00001; gnomAD exomes below 0.00001.
gnomAD v4.1: 2 of 1,614,198 alleles (0.00012%); highest among the groups gnomAD compares: South Asian, 0.0011%; no homozygotes.

Submission:

Labcorp Genetics (formerly Invitae), Labcorp
Classification: Uncertain significance. Last evaluated: 2025-03-05. Review status: criteria provided, single submitter. Criteria: Invitae Variant Classification Sherloc (09022015). Collection method: clinical testing. Allele origin: germline.
Comment: This sequence change replaces serine, which is neutral and polar, with cysteine, which is neutral and slightly polar, at codon 112 of the RORB protein (p.Ser112Cys). This variant is not present in population databases (gnomAD no frequency). This variant has not been reported in the literature in individuals affected with RORB-related conditions. ClinVar contains an entry for this variant (Variation ID: 1997337). An algorithm developed to predict the effect of missense changes on protein structure and function (PolyPhen-2) suggests that this variant is likely to be tolerated. In summary, the available evidence is currently insufficient to determine the role of this variant in disease. Therefore, it has been classified as a Variant of Uncertain Significance.

NM_006914.4(RORB):c.334A>T (p.Ser112Cys)

Gene: RORB (RAR related orphan receptor B; plus strand). Cytogenetic location: 9q21.13.
Variant type: single nucleotide variant.
Coding change: c.334A>T on transcript NM_006914.4 (MANE Select); coding-DNA position 334, A replaced by T.
Protein change: p.Ser112Cys; replaces serine 112 with cysteine.
Molecular consequence: missense variant.
Genome position (GRCh38, 1-based): chr9:74,642,512, A>T. VCF-style: chr9-74642512-A-T. GRCh37 (hg19) VCF-style: chr9-77257428-A-T.
Other names: c.367A>T, p.Ser123Cys (NM_001365023.1); short protein forms S112C, S123C.
Identifiers: ClinVar variation 1997337 (VCV001997337.4), dbSNP rs370887256, ClinGen allele CA193859232.
Genomic context (GRCh38, chr9:74,642,512, plus strand): 5'-AGCCTGTATGCTGAGGTGCAGAAGCACCAGCAGCGGCTGCAGGAACAGCGGCAGCAGCAG[A>T]GTGGGGAGGCAGAAGCCCTTGCCAGGGTGTACAGCAGCAGCATTAGCAACGGCCTGAGCA-3'
Protein context (NP_008845.2, residues 102-122): QRLQEQRQQQ[Ser112Cys]GEAEALARVY